The following is an entry in ClinVar:

NM_001481.3(DRC4):c.722C>T (p.Thr241Ile)

Gene: DRC4 (dynein regulatory complex subunit 4; plus strand). Cytogenetic location: 16q24.3.
Variant type: single nucleotide variant.
Coding change: c.722C>T on transcript NM_001481.3 (MANE Select); coding-DNA position 722, C replaced by T.
Protein change: p.Thr241Ile; replaces threonine 241 with isoleucine.
Molecular consequence: missense variant.
Genome position (GRCh38, 1-based): chr16:90,036,552, C>T. VCF-style: chr16-90036552-C-T. GRCh37 (hg19) VCF-style: chr16-90102960-C-T.
Other names: c.473C>T, p.Thr158Ile (NM_001286205.2); c.146C>T, p.Thr49Ile (NM_001286208.2); c.647C>T, p.Thr216Ile (NM_001286209.2); short protein forms T49I, T241I, T158I, T216I.
Identifiers: ClinVar variation 2124124 (VCV002124124.4), dbSNP rs2036881991, ClinGen allele CA397466512.

ClinVar aggregate classification (germline): Uncertain significance (1 of 4 stars; one submission).

Conditions:
Primary ciliary dyskinesia 33. Also called: CILIARY DYSKINESIA, PRIMARY, 33, WITHOUT SITUS INVERSUS. Identifiers: Orphanet 244, MedGen C4225230, MONDO:0014750, OMIM 616726.

Submission:

Labcorp Genetics (formerly Invitae), Labcorp
Classification: Uncertain significance for Primary ciliary dyskinesia 33. Last evaluated: 2022-04-10. Review status: criteria provided, single submitter. Criteria: Invitae Variant Classification Sherloc (09022015). Collection method: clinical testing. Allele origin: germline.
Comment: This sequence change replaces threonine, which is neutral and polar, with isoleucine, which is neutral and non-polar, at codon 241 of the GAS8 protein (p.Thr241Ile). This variant is not present in population databases (gnomAD no frequency). This variant has not been reported in the literature in individuals affected with GAS8-related conditions. Algorithms developed to predict the effect of missense changes on protein structure and function are either unavailable or do not agree on the potential impact of this missense change (SIFT: "Tolerated"; PolyPhen-2: "Probably Damaging"; Align-GVGD: "Class C0"). In summary, the available evidence is currently insufficient to determine the role of this variant in disease. Therefore, it has been classified as a Variant of Uncertain Significance.